The following is an entry in ClinVar:

NM_017934.7(PHIP):c.3589T>C (p.Cys1197Arg)

Genes: IRAK1BP1 (interleukin 1 receptor associated kinase 1 binding protein 1; plus strand), PHIP (PHIP subunit of CUL4-Ring ligase complex; minus strand). Cytogenetic location: 6q14.1.
Variant type: single nucleotide variant.
Coding change: c.3589T>C on transcript NM_017934.7 (MANE Select); coding-DNA position 3589, T replaced by C.
Protein change: p.Cys1197Arg; replaces cysteine 1197 with arginine.
Molecular consequence: missense variant.
Genome position (GRCh38, 1-based): chr6:78,961,757, A>G on the plus strand (T>C on the coding strand, the complement: PHIP is on the minus strand). VCF-style: chr6-78961757-A-G. GRCh37 (hg19) VCF-style: chr6-79671474-A-G.
Other names: short protein forms C1197R.
Identifiers: ClinVar variation 3661572 (VCV003661572.2).

ClinVar aggregate classification (germline): Uncertain significance (1 of 4 stars; one submission).

gnomAD v4.1: 2 of 1,612,170 alleles (0.00012%); highest among the groups gnomAD compares: Non-Finnish European, 0.00017%; no homozygotes.

Submission:

Labcorp Genetics (formerly Invitae), Labcorp
Classification: Uncertain significance. Last evaluated: 2024-08-06. Review status: criteria provided, single submitter. Criteria: Invitae Variant Classification Sherloc (09022015). Collection method: clinical testing. Allele origin: germline.
Comment: This sequence change replaces cysteine, which is neutral and slightly polar, with arginine, which is basic and polar, at codon 1197 of the PHIP protein (p.Cys1197Arg). This variant is not present in population databases (gnomAD no frequency). This variant has not been reported in the literature in individuals affected with PHIP-related conditions. Advanced modeling of protein sequence and biophysical properties (such as structural, functional, and spatial information, amino acid conservation, physicochemical variation, residue mobility, and thermodynamic stability) performed at Invitae indicates that this missense variant is expected to disrupt PHIP protein function with a positive predictive value of 80%. In summary, the available evidence is currently insufficient to determine the role of this variant in disease. Therefore, it has been classified as a Variant of Uncertain Significance.